The following is an entry in ClinVar:

NM_139318.5(KCNH5):c.2341G>A (p.Ala781Thr)

Gene: KCNH5 (potassium voltage-gated channel subfamily H member 5; minus strand). Cytogenetic location: 14q23.2.
Variant type: single nucleotide variant.
Coding change: c.2341G>A on transcript NM_139318.5 (MANE Select); coding-DNA position 2341, G replaced by A.
Protein change: p.Ala781Thr; replaces alanine 781 with threonine.
Molecular consequence: missense variant. On other transcripts: 3 prime UTR variant (1).
Genome position (GRCh38, 1-based): chr14:62,708,134, C>T on the plus strand (G>A on the coding strand, the complement: KCNH5 is on the minus strand). VCF-style: chr14-62708134-C-T. GRCh37 (hg19) VCF-style: chr14-63174852-C-T.
Other names: c.*308G>A (NM_172375.3); short protein forms A781T.
Identifiers: ClinVar variation 641941 (VCV000641941.11), dbSNP rs1595587605, ClinGen allele CA390100826.

ClinVar aggregate classification (germline): Uncertain significance. Review status: criteria provided, multiple submitters, no conflicts (2 of 4 stars). 2 submissions from 2 submitters: Uncertain significance (2). Last evaluated 2026-01-01.

Conditions:
Early-infantile DEE. Also called: Early infantile epileptic encephalopathy; Early infantile epileptic encephalopathy with suppression bursts; Ohtahara syndrome. Identifiers: Orphanet 1934, MedGen C0393706, MONDO:0800491.

Submissions (2):

CeGaT Center for Human Genetics Tuebingen
Classification: Uncertain significance. Last evaluated: 2026-01-01. Review status: criteria provided, single submitter. Criteria: CeGaT Center For Human Genetics Tuebingen Variant Classification Criteria Version 2. Collection method: clinical testing. Allele origin: germline. Affected: yes. Observed: 1 variant allele.
Comment: KCNH5: PM2

Labcorp Genetics (formerly Invitae), Labcorp
Classification: Uncertain significance for Early-infantile DEE. Last evaluated: 2023-07-26. Review status: criteria provided, single submitter. Criteria: Invitae Variant Classification Sherloc (09022015). Collection method: clinical testing. Allele origin: germline.
Comment: This variant is not present in population databases (gnomAD no frequency). This sequence change replaces alanine, which is neutral and non-polar, with threonine, which is neutral and polar, at codon 781 of the KCNH5 protein (p.Ala781Thr). This variant has not been reported in the literature in individuals affected with KCNH5-related conditions. In summary, the available evidence is currently insufficient to determine the role of this variant in disease. Therefore, it has been classified as a Variant of Uncertain Significance. Advanced modeling of protein sequence and biophysical properties (such as structural, functional, and spatial information, amino acid conservation, physicochemical variation, residue mobility, and thermodynamic stability) performed at Invitae indicates that this missense variant is not expected to disrupt KCNH5 protein function. ClinVar contains an entry for this variant (Variation ID: 641941).